The following is an entry in ClinVar:

NM_001375905.1(SGMS2):c.159C>T (p.Thr53=)

Genes: CYP2U1-AS1 (CYP2U1 and SGMS2 antisense RNA 1; minus strand), SGMS2 (sphingomyelin synthase 2; plus strand). Cytogenetic location: 4q25.
Variant type: single nucleotide variant.
Coding change: c.159C>T on transcript NM_001375905.1 (MANE Select); coding-DNA position 159, C replaced by T.
Protein change: p.Thr53=; no amino-acid change (threonine 53 retained).
Molecular consequence: synonymous variant. On other transcripts: intron variant (1).
Genome position (GRCh38, 1-based): chr4:107,895,712, C>T. VCF-style: chr4-107895712-C-T. GRCh37 (hg19) VCF-style: chr4-108816868-C-T.
Other names: c.159C>T, p.Thr53= (NM_001136257.2, NM_001136258.2, NM_001375906.1 and 4 more transcripts); c.-64-3863C>T (NM_001375911.1).
Identifiers: ClinVar variation 2892538 (VCV002892538.18), dbSNP rs368061054, ClinGen allele CA3036725.

ClinVar aggregate classification (germline): Likely benign. Review status: criteria provided, multiple submitters, no conflicts (2 of 4 stars). 3 submissions from 3 submitters: Likely benign (3). Last evaluated 2025-04-24.

Allele frequency attached by ClinVar (database versions not stated): ExAC 0.00002; gnomAD exomes 0.00002; gnomAD 0.00003; ESP Exome Variant Server 0.00008; TOPMed 0.00008.
gnomAD v4.1: 43 of 1,613,786 alleles (0.0027%); highest among the groups gnomAD compares: Middle Eastern, 0.033%; no homozygotes.

Submissions (3):

Labcorp Genetics (formerly Invitae), Labcorp
Classification: Likely benign. Last evaluated: 2025-04-24. Review status: criteria provided, single submitter. Criteria: Invitae Variant Classification Sherloc (09022015). Collection method: clinical testing. Allele origin: germline.

Blueprint Genetics
Classification: Likely benign. Last evaluated: 2024-11-06. Review status: criteria provided, single submitter. Criteria: ACMG Guidelines, 2015. Collection method: clinical testing. Allele origin: germline.

CeGaT Center for Human Genetics Tuebingen
Classification: Likely benign. Last evaluated: 2024-09-01. Review status: criteria provided, single submitter. Criteria: CeGaT Center For Human Genetics Tuebingen Variant Classification Criteria Version 2. Collection method: clinical testing. Allele origin: germline. Affected: yes. Observed: 1 variant allele.
Comment: SGMS2: BP4